The following is an entry in ClinVar:

NM_182961.4(SYNE1):c.16666T>A (p.Trp5556Arg)

Gene: SYNE1 (spectrin repeat containing nuclear envelope protein 1; minus strand). Cytogenetic location: 6q25.2.
Variant type: single nucleotide variant.
Coding change: c.16666T>A on transcript NM_182961.4 (MANE Select); coding-DNA position 16666, T replaced by A.
Protein change: p.Trp5556Arg; replaces tryptophan 5556 with arginine.
Molecular consequence: missense variant.
Genome position (GRCh38, 1-based): chr6:152,316,893, A>T on the plus strand (T>A on the coding strand, the complement: SYNE1 is on the minus strand). VCF-style: chr6-152316893-A-T. GRCh37 (hg19) VCF-style: chr6-152638028-A-T.
Other names: c.16453T>A, p.Trp5485Arg (NM_033071.5); short protein forms W5556R, W5485R.
Identifiers: ClinVar variation 1362043 (VCV001362043.8), dbSNP rs2095739223, ClinGen allele CA366110269.

ClinVar aggregate classification (germline): Uncertain significance (1 of 4 stars; one submission).

Conditions:
Autosomal recessive ataxia, Beauce type. Also called: SYNE1-Related Autosomal Recessive Cerebellar Ataxia; SYNE1 Deficiency; Spinocerebellar ataxia, autosomal recessive 8; ATAXIA, RECESSIVE, OF BEAUCE. Identifiers: Orphanet 88644, MedGen C1853116, MONDO:0012549, OMIM 610743.
Emery-Dreifuss muscular dystrophy 4, autosomal dominant (EDMD4). Also called: EMERY-DREIFUSS MUSCULAR DYSTROPHY 4 WITH VARIABLE FEATURES. Identifiers: Orphanet 261, MedGen C2751807, MONDO:0013071, OMIM 612998.

Allele frequency attached by ClinVar (database versions not stated): TOPMed below 0.00001.
gnomAD v4.1: 1 of 1,614,182 alleles (0.000062%); highest among the groups gnomAD compares: Admixed American, 0.0017%; no homozygotes.

Submission:

Labcorp Genetics (formerly Invitae), Labcorp
Classification: Uncertain significance for Emery-Dreifuss muscular dystrophy 4, autosomal dominant; Autosomal recessive ataxia, Beauce type. Last evaluated: 2021-03-22. Review status: criteria provided, single submitter. Criteria: Invitae Variant Classification Sherloc (09022015). Collection method: clinical testing. Allele origin: germline.
Comment: This sequence change replaces tryptophan with arginine at codon 5485 of the SYNE1 protein (p.Trp5485Arg). The tryptophan residue is highly conserved and there is a moderate physicochemical difference between tryptophan and arginine. This variant is not present in population databases (ExAC no frequency). This variant has not been reported in the literature in individuals with SYNE1-related conditions. Algorithms developed to predict the effect of missense changes on protein structure and function (SIFT, PolyPhen-2, Align-GVGD) all suggest that this variant is likely to be disruptive, but these predictions have not been confirmed by published functional studies and their clinical significance is uncertain. In summary, the available evidence is currently insufficient to determine the role of this variant in disease. Therefore, it has been classified as a Variant of Uncertain Significance.